The following is an entry in ClinVar:

NM_018100.4(EFHC1):c.286-1G>A

Gene: EFHC1 (EF-hand domain containing 1; plus strand). Cytogenetic location: 6p12.2.
Variant type: single nucleotide variant.
Coding change: c.286-1G>A on transcript NM_018100.4 (MANE Select); the canonical splice acceptor site of the intron before coding-DNA position 286, G replaced by A.
Molecular consequence: splice acceptor variant.
Genome position (GRCh38, 1-based): chr6:52,438,303, G>A. VCF-style: chr6-52438303-G-A. GRCh37 (hg19) VCF-style: chr6-52303101-G-A.
Other names: c.229-1G>A (NM_001172420.2).
Identifiers: ClinVar variation 1052761 (VCV001052761.7), dbSNP rs1351442830, ClinGen allele CA364457569.

ClinVar aggregate classification (germline): Uncertain significance (1 of 4 stars; one submission).

Conditions:
Typical absence seizure. Identifiers: MedGen C5551411, HP:0011147.
Myoclonic epilepsy, juvenile, susceptibility to, 1. Also called: Myoclonic Epilepsy, Juvenile, 1; EJM1. Identifiers: MedGen C1850778, MONDO:0020752, OMIM 254770.

Allele frequency attached by ClinVar (database versions not stated): gnomAD exomes 0.00001 and 0.00003.
gnomAD v4.1: 5 of 1,612,098 alleles (0.00031%); highest among the groups gnomAD compares: Admixed American, 0.0084%; no homozygotes.

Submission:

Labcorp Genetics (formerly Invitae), Labcorp
Classification: Uncertain significance for Myoclonic epilepsy, juvenile, susceptibility to, 1; Absence seizure. Last evaluated: 2021-08-12. Review status: criteria provided, single submitter. Criteria: Invitae Variant Classification Sherloc (09022015). Collection method: clinical testing. Allele origin: germline.
Comment: This sequence change affects an acceptor splice site in intron 2 of the EFHC1 gene. It is expected to disrupt RNA splicing. Variants that disrupt the donor or acceptor splice site typically lead to a loss of protein function (PMID: 16199547), however the current clinical and genetic evidence is not sufficient to establish whether loss-of-function variants in EFHC1 cause disease. This variant is not present in population databases (ExAC no frequency). This variant has not been reported in the literature in individuals affected with EFHC1-related conditions. Algorithms developed to predict the effect of sequence changes on RNA splicing suggest that this variant may disrupt the consensus splice site. In summary, the available evidence is currently insufficient to determine the role of this variant in disease. Therefore, it has been classified as a Variant of Uncertain Significance.

Literature cited by the submitters: PubMed 16199547.